The following is an entry in ClinVar:

ClinVar aggregate classification (germline): Conflicting classifications of pathogenicity. Review status: criteria provided, conflicting classifications (1 of 4 stars). 5 submissions from 5 submitters: Uncertain significance (3); Likely benign (2). Last evaluated 2025-04-15.

Conditions:
Cardiovascular phenotype. Identifiers: MedGen CN230736.
Hypertrophic cardiomyopathy. Also called: HYPERTROPHIC MYOCARDIOPATHY. Identifiers: Orphanet 217569, MedGen C0007194, MeSH D002312, MONDO:0005045, HP:0001639.

Allele frequency attached by ClinVar (database versions not stated): gnomAD 0.00001 and 0.00002; 1000 Genomes Project 0.00020; gnomAD exomes 0.00006 and 0.00004; TOPMed 0.00006; ExAC 0.00007; 1000 Genomes Project 30x 0.00016.
gnomAD v4.1: 61 of 1,568,992 alleles (0.0039%); highest among the groups gnomAD compares: East Asian, 0.014%; 1 homozygote.

Submissions (5):

Mayo Clinic Laboratories, Mayo Clinic
Classification: Uncertain significance. Last evaluated: 2025-04-15. Review status: criteria provided, single submitter. Criteria: ACMG Guidelines, 2015. Collection method: clinical testing. Allele origin: germline. Observed: 1 variant allele.
Comment: BP4_moderate

Ambry Genetics
Classification: Uncertain significance for Cardiovascular phenotype. Last evaluated: 2024-06-23. Review status: criteria provided, single submitter. Criteria: Ambry Variant Classification Scheme 2023. Collection method: clinical testing. Allele origin: germline.
Comment: The p.E577K variant (also known as c.1729G>A), located in coding exon 4 of the JPH2 gene, results from a G to A substitution at nucleotide position 1729. The glutamic acid at codon 577 is replaced by lysine, an amino acid with similar properties. This amino acid position is conserved. In addition, this alteration is predicted to be tolerated by in silico analysis. Since supporting evidence is limited at this time, the clinical significance of this alteration remains unclear.

Blueprint Genetics
Classification: Likely benign. Last evaluated: 2023-02-28. Review status: criteria provided, single submitter. Criteria: ACMG Guidelines, 2015. Collection method: clinical testing. Allele origin: germline.

Labcorp Genetics (formerly Invitae), Labcorp
Classification: Uncertain significance for Hypertrophic cardiomyopathy. Last evaluated: 2022-09-11. Review status: criteria provided, single submitter. Criteria: Invitae Variant Classification Sherloc (09022015). Collection method: clinical testing. Allele origin: germline.
Comment: This sequence change replaces glutamic acid, which is acidic and polar, with lysine, which is basic and polar, at codon 577 of the JPH2 protein (p.Glu577Lys). This variant is present in population databases (rs181096982, gnomAD 0.04%), and has an allele count higher than expected for a pathogenic variant. In summary, the available evidence is currently insufficient to determine the role of this variant in disease. Therefore, it has been classified as a Variant of Uncertain Significance. Algorithms developed to predict the effect of missense changes on protein structure and function (SIFT, PolyPhen-2, Align-GVGD) all suggest that this variant is likely to be tolerated. ClinVar contains an entry for this variant (Variation ID: 201793). This variant has not been reported in the literature in individuals affected with JPH2-related conditions.

GeneDx
Classification: Likely benign. Last evaluated: 2014-10-13. Review status: criteria provided, single submitter. Criteria: GeneDx Variant Classification (06012015). Collection method: clinical testing. Allele origin: germline. Affected: yes.
Comment: This variant is considered likely benign or benign based on one or more of the following criteria: it is a conservative change, it occurs at a poorly conserved position in the protein, it is predicted to be benign by multiple in silico algorithms, and/or has population frequency not consistent with disease.

NM_020433.5(JPH2):c.1729G>A (p.Glu577Lys)

Gene: JPH2 (junctophilin 2; minus strand). Cytogenetic location: 20q13.12.
Variant type: single nucleotide variant.
Coding change: c.1729G>A on transcript NM_020433.5 (MANE Select); coding-DNA position 1729, G replaced by A.
Protein change: p.Glu577Lys; replaces glutamic acid 577 with lysine.
Molecular consequence: missense variant.
Genome position (GRCh38, 1-based): chr20:44,115,946, C>T on the plus strand (G>A on the coding strand, the complement: JPH2 is on the minus strand). VCF-style: chr20-44115946-C-T. GRCh37 (hg19) VCF-style: chr20-42744586-C-T.
Other names: p.E577K:GAG>AAG; p.Glu577Lys; short protein forms E577K.
Identifiers: ClinVar variation 201793 (VCV000201793.14), dbSNP rs181096982, ClinGen allele CA335211.
Genomic context (GRCh38, chr20:44,115,946, plus strand): 5'-AGGGCGCGGACTCGGACCCGGAGACCTCGGGCTCGGGCTGGTCCTCAAAGGGTGGGGGCT[C>T]GGGCGGCGTGGTGCGCACAGCATAGCTGTGGTAGCCCTGGTAAAGCGCCACCTCCGGCTC-3'
Protein context (NP_065166.2, residues 567-587): HSYAVRTTPP[Glu577Lys]PPPFEDQPEP